The following is an entry in ClinVar:

ClinVar aggregate classification (germline): Uncertain significance (1 of 4 stars; one submission).

Allele frequency attached by ClinVar (database versions not stated): gnomAD 0.00001.

Submission:

Women's Health and Genetics/Laboratory Corporation of America, LabCorp
Classification: Uncertain significance. Last evaluated: 2022-11-18. Review status: criteria provided, single submitter. Criteria: LabCorp Variant Classification Summary - May 2015. Collection method: clinical testing. Allele origin: germline.
Comment: Variant summary: ITM2B c.238G>A (p.Ala80Thr) results in a non-conservative amino acid change in the encoded protein sequence. Three of five in-silico tools predict a benign effect of the variant on protein function. The variant was absent in 250592 control chromosomes. The available data on variant occurrences in the general population are insufficient to allow any conclusion about variant significance. To our knowledge, no occurrence of c.238G>A in individuals affected with ITM2B-Related Disorders and no experimental evidence demonstrating its impact on protein function have been reported. No clinical diagnostic laboratories have submitted clinical-significance assessments for this variant to ClinVar after 2014. Based on the evidence outlined above, the variant was classified as uncertain significance.

NM_021999.5(ITM2B):c.238G>A (p.Ala80Thr)

Gene: ITM2B (integral membrane protein 2B; plus strand). Cytogenetic location: 13q14.2.
Variant type: single nucleotide variant.
Coding change: c.238G>A on transcript NM_021999.5 (MANE Select); coding-DNA position 238, G replaced by A.
Protein change: p.Ala80Thr; replaces alanine 80 with threonine.
Molecular consequence: missense variant.
Genome position (GRCh38, 1-based): chr13:48,253,928, G>A. VCF-style: chr13-48253928-G-A. GRCh37 (hg19) VCF-style: chr13-48828064-G-A.
Other names: short protein forms A80T.
Identifiers: ClinVar variation 1804825 (VCV001804825.1), dbSNP rs1401443028, ClinGen allele CA388250983.
Genomic context (GRCh38, chr13:48,253,928, plus strand): 5'-GGACTAGCATTTATGCTTGCAGGTGTTATTCTAGGAGGAGCATACTTGTACAAATATTTT[G>A]CACTTCAAGTAAGTGGAAAAATTATTTTGTGTCTCTGATTTTTTTTTTTTTTTGCCTCTC-3'
Protein context (NP_068839.1, residues 70-90): LGGAYLYKYF[Ala80Thr]LQPDDVYYCG